The following is an entry in ClinVar:

ClinVar aggregate classification (germline): Uncertain significance (1 of 4 stars; one submission).

Conditions:
Hypertrophic cardiomyopathy. Also called: HYPERTROPHIC MYOCARDIOPATHY. Identifiers: Orphanet 217569, MedGen C0007194, MeSH D002312, MONDO:0005045, HP:0001639.

Submission:

Labcorp Genetics (formerly Invitae), Labcorp
Classification: Uncertain significance for Hypertrophic cardiomyopathy. Last evaluated: 2025-07-28. Review status: criteria provided, single submitter. Criteria: Invitae Variant Classification Sherloc (09022015). Collection method: clinical testing. Allele origin: germline.
Comment: This sequence change replaces serine, which is neutral and polar, with threonine, which is neutral and polar, at codon 99 of the JPH2 protein (p.Ser99Thr). This variant is not present in population databases (gnomAD no frequency). This variant has not been reported in the literature in individuals affected with JPH2-related conditions. ClinVar contains an entry for this variant (Variation ID: 2843533). An algorithm developed to predict the effect of missense changes on protein structure and function (PolyPhen-2) suggests that this variant is likely to be disruptive. In summary, the available evidence is currently insufficient to determine the role of this variant in disease. Therefore, it has been classified as a Variant of Uncertain Significance.

NM_020433.5(JPH2):c.296G>C (p.Ser99Thr)

Gene: JPH2 (junctophilin 2; minus strand). Cytogenetic location: 20q13.12.
Variant type: single nucleotide variant.
Coding change: c.296G>C on transcript NM_020433.5 (MANE Select); coding-DNA position 296, G replaced by C.
Protein change: p.Ser99Thr; replaces serine 99 with threonine.
Molecular consequence: missense variant.
Genome position (GRCh38, 1-based): chr20:44,186,410, C>G on the plus strand (G>C on the coding strand, the complement: JPH2 is on the minus strand). VCF-style: chr20-44186410-C-G. GRCh37 (hg19) VCF-style: chr20-42815050-C-G.
Other names: c.296G>C, p.Ser99Thr (NM_175913.4); short protein forms S99T.
Identifiers: ClinVar variation 2843533 (VCV002843533.3), dbSNP rs2515764096, ClinGen allele CA409095106.